The following is an entry in ClinVar:

NM_007254.4(PNKP):c.1295_1298+6dup

Gene: PNKP (polynucleotide kinase 3'-phosphatase; minus strand). Cytogenetic location: 19q13.33.
Variant type: Duplication.
Coding change: c.1295_1298+6dup on transcript NM_007254.4 (MANE Select); coding-DNA position 1295 through 6 bases into the intron after coding-DNA position 1298, 10 bases duplicated (CCAGGTAGCG; older notation c.1295_1298+6dupCCAGGTAGCG).
Molecular consequence: splice donor variant.
Genome position (GRCh38, 1-based): chr19:49,861,766-49,861,775, CGCTACCTGG duplicated on the plus strand (CCAGGTAGCG on the coding strand, the reverse complement: PNKP is on the minus strand); duplicating any 10 consecutive bases within chr19:49,861,766-49,861,778 gives the same sequence; the c. name uses the placement nearest the transcript's 3' end. VCF-style (leftmost placement, unchanged base first): chr19-49861765-A-ACGCTACCTGG. GRCh37 (hg19) VCF-style: chr19-50365022-A-ACGCTACCTGG.
Identifiers: ClinVar variation 2068758 (VCV002068758.4), dbSNP rs587784366, ClinGen allele CA2580097599.

ClinVar aggregate classification (germline): Uncertain significance (1 of 4 stars; one submission).

Conditions:
Developmental and epileptic encephalopathy, 12 (DEE12). Identifiers: MedGen C3150988, MONDO:0013389, OMIM 613722.

Submission:

Labcorp Genetics (formerly Invitae), Labcorp
Classification: Uncertain significance for Developmental and epileptic encephalopathy, 12. Last evaluated: 2022-03-10. Review status: criteria provided, single submitter. Criteria: Invitae Variant Classification Sherloc (09022015). Collection method: clinical testing. Allele origin: germline.
Comment: Algorithms developed to predict the effect of sequence changes on RNA splicing suggest that this variant may create or strengthen a splice site. This sequence change falls in intron 14 of the PNKP gene. It does not directly change the encoded amino acid sequence of the PNKP protein. This variant is not present in population databases (gnomAD no frequency). This variant has not been reported in the literature in individuals affected with PNKP-related conditions. In summary, the available evidence is currently insufficient to determine the role of this variant in disease. Therefore, it has been classified as a Variant of Uncertain Significance.